The following is an entry in ClinVar:

ClinVar aggregate classification (germline): Uncertain significance (1 of 4 stars; one submission).

Submission:

GeneDx
Classification: Uncertain significance. Last evaluated: 2020-03-12. Review status: criteria provided, single submitter. Criteria: GeneDx Variant Classification Process June 2021. Collection method: clinical testing. Allele origin: germline. Affected: yes.
Comment: Not observed in large population cohorts (Lek et al., 2016); In silico analysis supports that this missense variant does not alter protein structure/function; Has not been previously published as pathogenic or benign to our knowledge

NM_005826.5(HNRNPR):c.677G>A (p.Cys226Tyr)

Gene: HNRNPR (heterogeneous nuclear ribonucleoprotein R; minus strand). Cytogenetic location: 1p36.12.
Variant type: single nucleotide variant.
Coding change: c.677G>A on transcript NM_005826.5 (MANE Select); coding-DNA position 677, G replaced by A.
Protein change: p.Cys226Tyr; replaces cysteine 226 with tyrosine.
Molecular consequence: missense variant.
Genome position (GRCh38, 1-based): chr1:23,321,662, C>T on the plus strand (G>A on the coding strand, the complement: HNRNPR is on the minus strand). VCF-style: chr1-23321662-C-T. GRCh37 (hg19) VCF-style: chr1-23648155-C-T.
Other names: c.374G>A, p.Cys125Tyr (NM_001102397.3, NM_001102399.3); c.677G>A, p.Cys226Tyr (NM_001102398.3); c.563G>A, p.Cys188Tyr (NM_001297620.2); c.197G>A, p.Cys66Tyr (NM_001297621.2); c.260G>A, p.Cys87Tyr (NM_001297622.2); short protein forms C125Y, C188Y, C226Y, C66Y, C87Y.
Identifiers: ClinVar variation 1315413 (VCV001315413.2), dbSNP rs2148375550, ClinGen allele CA339260969.